The following is an entry in ClinVar:

NM_005188.4(CBL):c.136C>A (p.His46Asn)

Genes: CBL (Cbl proto-oncogene; plus strand), LOC130006895 (ATAC-STARR-seq lymphoblastoid silent region 3975; plus strand). Cytogenetic location: 11q23.3.
Variant type: single nucleotide variant.
Coding change: c.136C>A on transcript NM_005188.4 (MANE Select); coding-DNA position 136, C replaced by A.
Protein change: p.His46Asn; replaces histidine 46 with asparagine.
Molecular consequence: missense variant.
Genome position (GRCh38, 1-based): chr11:119,206,553, C>A. VCF-style: chr11-119206553-C-A. GRCh37 (hg19) VCF-style: chr11-119077263-C-A.
Other names: short protein forms H46N.
Identifiers: ClinVar variation 2567305 (VCV002567305.2), dbSNP rs1028757126, ClinGen allele CA382976343.

ClinVar aggregate classification (germline): Uncertain significance (1 of 4 stars; one submission).

Conditions:
Cardiovascular phenotype. Identifiers: MedGen CN230736.

Submission:

Ambry Genetics
Classification: Uncertain significance for Cardiovascular phenotype. Last evaluated: 2023-05-27. Review status: criteria provided, single submitter. Criteria: Ambry Variant Classification Scheme 2023. Collection method: clinical testing. Allele origin: germline.
Comment: The p.H46N variant (also known as c.136C>A), located in coding exon 1 of the CBL gene, results from a C to A substitution at nucleotide position 136. The histidine at codon 46 is replaced by asparagine, an amino acid with similar properties. This amino acid position is conserved. In addition, the in silico prediction for this alteration is inconclusive. Since supporting evidence is limited at this time, the clinical significance of this alteration remains unclear.